The following is an entry in ClinVar:

ClinVar aggregate classification (germline): Uncertain significance (1 of 4 stars; one submission).

Conditions:
POLD1-related polyposis and colorectal cancer syndrome (CRCS10). Also called: Colorectal cancer 10; COLORECTAL CANCER, SUSCEPTIBILITY TO, ON CHROMOSOME 19q; Colorectal cancer, susceptibility to, 10. Identifiers: Orphanet 220460, MedGen C2675481, MONDO:0012953, OMIM 612591.

Submission:

Labcorp Genetics (formerly Invitae), Labcorp
Classification: Uncertain significance for POLD1-related polyposis and colorectal cancer syndrome. Last evaluated: 2020-10-14. Review status: criteria provided, single submitter. Criteria: Invitae Variant Classification Sherloc (09022015). Collection method: clinical testing. Allele origin: germline.
Comment: In summary, this variant is a novel missense change with uncertain impact on protein function. It has been classified as a Variant of Uncertain Significance. Algorithms developed to predict the effect of missense changes on protein structure and function do not agree on the potential impact of this missense change (SIFT: "Deleterious"; PolyPhen-2: "Possibly Damaging"; Align-GVGD: "Class C0"). This variant is not present in population databases (ExAC no frequency) and has not been reported in the literature in individuals with a POLD1-related disease. This sequence change replaces serine with arginine at codon 805 of the POLD1 protein (p.Ser805Arg). The serine residue is weakly conserved and there is a moderate physicochemical difference between serine and arginine.

NM_002691.4(POLD1):c.2415C>A (p.Ser805Arg)

Gene: POLD1 (DNA polymerase delta 1, catalytic subunit; plus strand). Cytogenetic location: 19q13.33.
Variant type: single nucleotide variant.
Coding change: c.2415C>A on transcript NM_002691.4 (MANE Select); coding-DNA position 2415, C replaced by A.
Protein change: p.Ser805Arg; replaces serine 805 with arginine.
Molecular consequence: missense variant. On other transcripts: non-coding transcript variant (1).
Genome position (GRCh38, 1-based): chr19:50,414,841, C>A. VCF-style: chr19-50414841-C-A. GRCh37 (hg19) VCF-style: chr19-50918098-C-A.
Other names: c.2415C>A, p.Ser805Arg (NM_001256849.1); c.2493C>A, p.Ser831Arg (NM_001308632.1); short protein forms S805R, S831R.
Identifiers: ClinVar variation 469257 (VCV000469257.10), dbSNP rs996697515, ClinGen allele CA309604750.